The following is an entry in ClinVar:

NM_201384.3(PLEC):c.9478C>T (p.Arg3160Ter)

Gene: PLEC (plectin; minus strand). Cytogenetic location: 8q24.3.
Variant type: single nucleotide variant.
Coding change: c.9478C>T on transcript NM_201384.3 (MANE Select); coding-DNA position 9478, C replaced by T.
Protein change: p.Arg3160Ter; replaces arginine 3160 with a stop codon.
Molecular consequence: nonsense.
Genome position (GRCh38, 1-based): chr8:143,920,343, G>A on the plus strand (C>T on the coding strand, the complement: PLEC is on the minus strand). VCF-style: chr8-143920343-G-A. GRCh37 (hg19) VCF-style: chr8-144994511-G-A.
Other names: c.9559C>T, p.Arg3187Ter (NM_000445.5); c.6178C>T, p.Arg2060Ter (NM_001410941.1); c.9436C>T, p.Arg3146Ter (NM_201378.4); c.9412C>T, p.Arg3138Ter (NM_201379.3); c.9889C>T, p.Arg3297Ter (NM_201380.4); c.9382C>T, p.Arg3128Ter (NM_201381.3); c.9478C>T, p.Arg3160Ter (NM_201382.4); c.9490C>T, p.Arg3164Ter (NM_201383.3); short protein forms R2060*, R3128*, R3138*, R3146*, R3160*, R3164*, R3187*, R3297*.
Identifiers: ClinVar variation 4885081 (VCV004885081.2).

ClinVar aggregate classification (germline): Uncertain significance (1 of 4 stars; one submission).

gnomAD v4.1: 2 of 1,593,818 alleles (0.00013%); highest among the groups gnomAD compares: Non-Finnish European, 0.00017%; no homozygotes.

Submission:

Dasa
Classification: Uncertain significance. Last evaluated: 2025-09-29. Review status: criteria provided, single submitter. Criteria: DASA Assertion Criteria. Collection method: clinical testing. Allele origin: germline.
Comment: NM_201384.3(PLEC):c.9478C>T (p.Arg3160*) is a nonsense variant in PLEC predicted to introduce a premature termination codon and is predicted to result in an absent or altered protein product. This variant is rare in population databases. The currently available literature and clinical evidence are not sufficient to establish a definitive association between this variant and the reported condition. Therefore, this variant is classified as a variant of uncertain significance.